The following is an entry in ClinVar:

ClinVar aggregate classification (germline): Likely pathogenic. Review status: criteria provided, multiple submitters, no conflicts (2 of 4 stars). 3 submissions from 3 submitters: Likely pathogenic (3). Last evaluated 2025-01-21.

Conditions:
Neurofibromatosis, type 1 (NF1). Also called: NEUROFIBROMATOSIS, TYPE I, SOMATIC; VON RECKLINGHAUSEN DISEASE; Peripheral type neurofibromatosis; Neurofibromatosis, type I. Identifiers: Orphanet 636, MedGen C0027831, MONDO:0018975, OMIM 162200. Disease mechanism: loss of function.

Submissions (3):

Women's Health and Genetics/Laboratory Corporation of America, LabCorp
Classification: Likely pathogenic for Neurofibromatosis, type 1. Last evaluated: 2025-01-21. Review status: criteria provided, single submitter. Criteria: LabCorp Variant Classification Summary - May 2015. Collection method: clinical testing. Allele origin: germline.
Comment: Variant summary: NF1 c.959C>A (p.Ala320Asp) results in a non-conservative amino acid change in the encoded protein sequence. Five of five in-silico tools predict a damaging effect of the variant on protein function. Advanced modeling of protein sequence and biophysical properties (such as structural, functional, and spatial information, amino acid conservation, physicochemical variation, residue mobility, and thermodynamic stability) performed at our partner laboratory (Labcorp Genetics, formerly Invitae) indicates that this missense variant is expected to disrupt NF1 protein function. The variant was absent in 251422 control chromosomes. c.959C>A has been observed in at-least two individuals meeting pathognomic criteria for Neurofibromatosis Type 1 at our laboratory (internal data). To our knowledge, no experimental evidence demonstrating an impact on protein function has been reported. ClinVar contains an entry for this variant (Variation ID: 547575). Based on the evidence outlined above, the variant was classified as likely pathogenic.

Labcorp Genetics (formerly Invitae), Labcorp
Classification: Likely pathogenic for Neurofibromatosis, type 1. Last evaluated: 2022-04-06. Review status: criteria provided, single submitter. Criteria: Invitae Variant Classification Sherloc (09022015). Collection method: clinical testing. Allele origin: germline.
Comment: This sequence change replaces alanine, which is neutral and non-polar, with aspartic acid, which is acidic and polar, at codon 320 of the NF1 protein (p.Ala320Asp). This variant is not present in population databases (gnomAD no frequency). This missense change has been observed in individual(s) with clinical features of NF1-related conditions (Invitae). ClinVar contains an entry for this variant (Variation ID: 547575). Advanced modeling of protein sequence and biophysical properties (such as structural, functional, and spatial information, amino acid conservation, physicochemical variation, residue mobility, and thermodynamic stability) performed at Invitae indicates that this missense variant is expected to disrupt NF1 protein function. In summary, the currently available evidence indicates that the variant is pathogenic, but additional data are needed to prove that conclusively. Therefore, this variant has been classified as Likely Pathogenic.

Center for Human Genetics, Inc
Classification: Likely pathogenic for Neurofibromatosis, type 1. Last evaluated: 2016-11-01. Review status: criteria provided, single submitter. Criteria: ACMG Guidelines, 2015. Collection method: clinical testing. Allele origin: germline. Affected: yes.

NM_001042492.3(NF1):c.959C>A (p.Ala320Asp)

Gene: NF1 (neurofibromin 1; plus strand). Cytogenetic location: 17q11.2.
Variant type: single nucleotide variant.
Coding change: c.959C>A on transcript NM_001042492.3 (MANE Select); coding-DNA position 959, C replaced by A.
Protein change: p.Ala320Asp; replaces alanine 320 with aspartic acid.
Molecular consequence: missense variant.
Genome position (GRCh38, 1-based): chr17:31,200,492, C>A. VCF-style: chr17-31200492-C-A. GRCh37 (hg19) VCF-style: chr17-29527510-C-A.
Other names: c.959C>A, p.Ala320Asp (NM_000267.4, NM_001128147.3); short protein forms A320D.
Identifiers: ClinVar variation 547575 (VCV000547575.9), dbSNP rs1555610884, ClinGen allele CA398995896.
Genomic context (GRCh38, chr17:31,200,492, plus strand): 5'-TGGACAGTCTACGAAAAGCTCTTGCTGGCCATGGAGGAAGTAGGCAGCTGACAGAAAGTG[C>A]TGCAATTGCCTGTGTCAAACTGTGTAAAGCAAGTACTTACATCAATTGGGAAGATAACTC-3'
Protein context (NP_001035957.1, residues 310-330): HGGSRQLTES[Ala320Asp]AIACVKLCKA